The following is an entry in ClinVar:

ClinVar aggregate classification (germline): Conflicting classifications of pathogenicity. Review status: criteria provided, conflicting classifications (1 of 4 stars). 4 submissions from 4 submitters: Uncertain significance (2); Likely benign (1). 1 of the submissions does not count toward it. Last evaluated 2026-07-24.

Conditions:
Glycogen storage disease, type II (IOPD). Also called: GLYCOGENOSIS, GENERALIZED, CARDIAC FORM; GSD II; POMPE DISEASE, INFANTILE-ONSET; GLYCOGEN STORAGE DISEASE II, INFANTILE-ONSET; ACID ALPHA-GLUCOSIDASE DEFICIENCY, INFANTILE-ONSET; GAA DEFICIENCY, INFANTILE-ONSET. Identifiers: Orphanet 365, MedGen C0017921, MONDO:0009290, OMIM 232300.
Cardiovascular phenotype. Identifiers: MedGen CN230736.

Allele frequency attached by ClinVar (database versions not stated): gnomAD 0.00001; TOPMed 0.00004.
gnomAD v4.1: 2 of 1,589,082 alleles (0.00013%); highest among the groups gnomAD compares: Admixed American, 0.0035%; no homozygotes.

Submissions (4):

Ambry Genetics
Classification: Likely benign for Cardiovascular phenotype. Last evaluated: 2026-07-24. Review status: criteria provided, single submitter. Criteria: Ambry Variant Classification Scheme 2023. Collection method: clinical testing. Allele origin: germline.

GeneDx
Classification: Uncertain significance. Last evaluated: 2022-04-07. Review status: criteria provided, single submitter. Criteria: GeneDx Variant Classification Process June 2021. Collection method: clinical testing. Allele origin: germline. Affected: yes.
Comment: Has not been previously published as pathogenic or benign to our knowledge; Not observed at significant frequency in large population cohorts (gnomAD); In silico analysis supports that this missense variant does not alter protein structure/function

Labcorp Genetics (formerly Invitae), Labcorp
Classification: Uncertain significance for Glycogen storage disease, type II. Last evaluated: 2022-02-05. Review status: criteria provided, single submitter. Criteria: Invitae Variant Classification Sherloc (09022015). Collection method: clinical testing. Allele origin: germline.
Comment: This sequence change replaces glutamic acid, which is acidic and polar, with aspartic acid, which is acidic and polar, at codon 866 of the GAA protein (p.Glu866Asp). This variant is not present in population databases (gnomAD no frequency). This variant has not been reported in the literature in individuals affected with GAA-related conditions. ClinVar contains an entry for this variant (Variation ID: 663449). Advanced modeling of protein sequence and biophysical properties (such as structural, functional, and spatial information, amino acid conservation, physicochemical variation, residue mobility, and thermodynamic stability) performed at Invitae indicates that this missense variant is not expected to disrupt GAA protein function. In summary, the available evidence is currently insufficient to determine the role of this variant in disease. Therefore, it has been classified as a Variant of Uncertain Significance.

Natera, Inc.
Classification: Uncertain significance for Glycogen storage disease type II. Last evaluated: 2020-09-16. Review status: no assertion criteria provided. Collection method: clinical testing. Allele origin: germline. Not counted in ClinVar's aggregate classification.

NM_000152.5(GAA):c.2598A>C (p.Glu866Asp)

Gene: GAA (alpha glucosidase; plus strand). Cytogenetic location: 17q25.3.
Variant type: single nucleotide variant.
Coding change: c.2598A>C on transcript NM_000152.5 (MANE Select); coding-DNA position 2598, A replaced by C.
Protein change: p.Glu866Asp; replaces glutamic acid 866 with aspartic acid.
Molecular consequence: missense variant.
Genome position (GRCh38, 1-based): chr17:80,118,309, A>C. VCF-style: chr17-80118309-A-C. GRCh37 (hg19) VCF-style: chr17-78092108-A-C.
Other names: c.2598A>C (LRG_673t1); c.2598A>C, p.Glu866Asp (NM_001079803.3, NM_001079804.3); short protein forms E866D.
Identifiers: ClinVar variation 663449 (VCV000663449.10), dbSNP rs1445358978, ClinGen allele CA401326321.